The following is an entry in ClinVar:

NM_001271.4(CHD2):c.4233_4236del (p.Glu1412fs)

Gene: CHD2 (chromodomain helicase DNA binding protein 2; plus strand). Cytogenetic location: 15q26.1.
Variant type: Deletion.
Coding change: c.4233_4236del on transcript NM_001271.4 (MANE Select); coding-DNA positions 4233 to 4236, 4 bases deleted (AGAA; older notation c.4233_4236delAGAA).
Protein change: p.Glu1412fs; shifts the reading frame from glutamic acid 1412.
Molecular consequence: frameshift variant.
Genome position (GRCh38, 1-based): chr15:93,002,272-93,002,275, AGAA deleted; deleting any 4 consecutive bases within chr15:93,002,270-93,002,275 gives the same sequence; the c. name uses the placement nearest the transcript's 3' end. VCF-style (leftmost placement, unchanged base first): chr15-93002269-CAAAG-C. GRCh37 (hg19) VCF-style: chr15-93545499-CAAAG-C.
Other names: NP_001262.3:p.Glu1412GlyfsTer64; c.4233_4236del (NM_001271.3); short protein forms E1412fs.
Identifiers: ClinVar variation 218392 (VCV000218392.15), dbSNP rs864309543, ClinGen allele CA347825.

ClinVar aggregate classification (germline): Pathogenic. Review status: criteria provided, multiple submitters, no conflicts (2 of 4 stars). 2 submissions from 2 submitters: Pathogenic (2). Last evaluated 2025-10-16.

Conditions:
Developmental and epileptic encephalopathy 94 (DEE94). Also called: CHD2-Related Neurodevelopmental Disorders; Epileptic encephalopathy, childhood-onset. Identifiers: Orphanet 1942, Orphanet 2382, MedGen C3809278, MONDO:0014150, OMIM 615369.

Submissions (2):

Labcorp Genetics (formerly Invitae), Labcorp
Classification: Pathogenic for Developmental and epileptic encephalopathy 94. Last evaluated: 2025-10-16. Review status: criteria provided, single submitter. Criteria: Invitae Variant Classification Sherloc (09022015). Collection method: clinical testing. Allele origin: germline.
Comment: This sequence change creates a premature translational stop signal (p.Glu1412Glyfs*64) in the CHD2 gene. It is expected to result in an absent or disrupted protein product. Loss-of-function variants in CHD2 are known to be pathogenic (PMID: 23708187, 24207121). This variant is not present in population databases (gnomAD no frequency). This premature translational stop signal has been observed in individual(s) with genetic generalized epilepsy (PMID: 25783594). ClinVar contains an entry for this variant (Variation ID: 218392). For these reasons, this variant has been classified as Pathogenic.

Revvity Omics, Revvity
Classification: Pathogenic for Developmental and epileptic encephalopathy 94. Last evaluated: 2024-01-18. Review status: criteria provided, single submitter. Criteria: ACMG Guidelines, 2015. Collection method: clinical testing. Allele origin: germline.

Literature cited by the submitters: PubMed 23708187 (cited by Labcorp Genetics (formerly Invitae), Labcorp); PubMed 24207121 (cited by Labcorp Genetics (formerly Invitae), Labcorp); PubMed 25783594 (cited by Labcorp Genetics (formerly Invitae), Labcorp).